The following is an entry in ClinVar:

NM_001040108.2(MLH3):c.3785C>T (p.Pro1262Leu)

Gene: MLH3 (mutL homolog 3; minus strand). Cytogenetic location: 14q24.3.
Variant type: single nucleotide variant.
Coding change: c.3785C>T on transcript NM_001040108.2 (MANE Select); coding-DNA position 3785, C replaced by T.
Protein change: p.Pro1262Leu; replaces proline 1262 with leucine.
Molecular consequence: missense variant.
Genome position (GRCh38, 1-based): chr14:75,032,110, G>A on the plus strand (C>T on the coding strand, the complement: MLH3 is on the minus strand). VCF-style: chr14-75032110-G-A. GRCh37 (hg19) VCF-style: chr14-75498813-G-A.
Other names: c.3713C>T, p.Pro1238Leu (NM_014381.3); short protein forms P1262L, P1238L.
Identifiers: ClinVar variation 1734874 (VCV001734874.11), dbSNP rs377662571, ClinGen allele CA7275328.

ClinVar aggregate classification (germline): Uncertain significance. Review status: criteria provided, multiple submitters, no conflicts (2 of 4 stars). 4 submissions from 4 submitters: Uncertain significance (4). Last evaluated 2026-09-09.

Conditions:
MLH3-related disorder. Also called: MLH3-related condition.
Colorectal cancer, hereditary nonpolyposis, type 7. Identifiers: Orphanet 144, MedGen C1858380, MONDO:0013725, OMIM 614385.
Colorectal cancer. Also called: Colorectal cancer, somatic; Malignant Colorectal Neoplasm. Identifiers: MedGen C0346629, MONDO:0005575, OMIM 114500.
Endometrial carcinoma. Also called: Endometrial carcinoma, somatic. Identifiers: MedGen C0476089, MONDO:0002447, OMIM 608089, HP:0012114.

Allele frequency attached by ClinVar (database versions not stated): gnomAD 0.00002; gnomAD exomes 0.00002; TOPMed 0.00002; ExAC 0.00003; ESP Exome Variant Server 0.00008.
gnomAD v4.1: 34 of 1,613,536 alleles (0.0021%); highest among the groups gnomAD compares: East Asian, 0.0089%; no homozygotes.

Submissions (4):

PreventionGenetics, part of Exact Sciences
Classification: Uncertain significance for MLH3-related condition. Last evaluated: 2026-09-09. Review status: criteria provided, single submitter. Criteria: ACMG Guidelines, 2015. Collection method: clinical testing. Allele origin: germline.
Comment: The MLH3 c.3785C>T variant is predicted to result in the amino acid substitution p.Pro1262Leu. To our knowledge, this variant has not been reported in the literature. This variant is reported in 0.022% of alleles in individuals of East Asian descent in gnomAD. This variant is interpreted as uncertain in ClinVar (Variation ID: 1734874). At this time, the clinical significance of this variant is uncertain due to the absence of conclusive functional and genetic evidence.

Ambry Genetics
Classification: Uncertain significance. Last evaluated: 2025-04-03. Review status: criteria provided, single submitter. Criteria: Ambry Variant Classification Scheme 2023. Collection method: clinical testing. Allele origin: germline.
Comment: The p.P1262L variant (also known as c.3785C>T), located in coding exon 7 of the MLH3 gene, results from a C to T substitution at nucleotide position 3785. The proline at codon 1262 is replaced by leucine, an amino acid with similar properties. This amino acid position is highly conserved in available vertebrate species. In addition, this alteration is predicted to be deleterious by in silico analysis. Since supporting evidence is limited at this time, the clinical significance of this alteration remains unclear.

Labcorp Genetics (formerly Invitae), Labcorp
Classification: Uncertain significance for Colorectal cancer, hereditary nonpolyposis, type 7. Last evaluated: 2024-12-29. Review status: criteria provided, single submitter. Criteria: Invitae Variant Classification Sherloc (09022015). Collection method: clinical testing. Allele origin: germline.
Comment: This sequence change replaces proline, which is neutral and non-polar, with leucine, which is neutral and non-polar, at codon 1262 of the MLH3 protein (p.Pro1262Leu). This variant is present in population databases (rs377662571, gnomAD 0.02%). This variant has not been reported in the literature in individuals affected with MLH3-related conditions. ClinVar contains an entry for this variant (Variation ID: 1734874). An algorithm developed to predict the effect of missense changes on protein structure and function (PolyPhen-2) suggests that this variant is likely to be disruptive. In summary, the available evidence is currently insufficient to determine the role of this variant in disease. Therefore, it has been classified as a Variant of Uncertain Significance.

Fulgent Genetics
Classification: Uncertain significance for Colorectal cancer; Endometrial carcinoma; Colorectal cancer, hereditary nonpolyposis, type 7. Last evaluated: 2024-01-17. Review status: criteria provided, single submitter. Criteria: ACMG Guidelines, 2015. Collection method: clinical testing. Allele origin: germline.